The following is an entry in ClinVar:

ClinVar aggregate classification (germline): Uncertain significance (1 of 4 stars; one submission).

Allele frequency attached by ClinVar (database versions not stated): gnomAD 0.00004; TOPMed 0.00006; gnomAD exomes 0.00009.
gnomAD v4.1: 133 of 1,540,494 alleles (0.0086%); highest among the groups gnomAD compares: Non-Finnish European, 0.01%; no homozygotes.

Submission:

Women's Health and Genetics/Laboratory Corporation of America, LabCorp
Classification: Uncertain significance. Last evaluated: 2023-05-26. Review status: criteria provided, single submitter. Criteria: LabCorp Variant Classification Summary - May 2015. Collection method: clinical testing. Allele origin: germline.
Comment: Variant summary: HPS4 c.706+176G>A is located at a position not widely known to affect splicing in a trancript that is predominantly expressed in tissues (NM_022081.5). 4/4 computational tools predict no significant impact on normal splicing. However, these predictions have yet to be confirmed by functional studies. The variant allele was found at a frequency of 5.1e-05 in 157496 control chromosomes (gnomAD). The available data on variant occurrences in the general population are insufficient to allow any conclusion about variant significance. To our knowledge, no occurrence of c.706+176G>A in individuals affected with Hermansky-Pudlak Syndrome and no experimental evidence demonstrating its impact on protein function have been reported. No clinical diagnostic laboratories have submitted clinical-significance assessments for this variant to ClinVar after 2014. Based on the evidence outlined above, the variant was classified as VUS-possibly benign.

NM_022081.6(HPS4):c.706+176G>A

Gene: HPS4 (HPS4 biogenesis of lysosomal organelles complex 3 subunit 2; minus strand). Cytogenetic location: 22q12.1.
Variant type: single nucleotide variant.
Coding change: c.706+176G>A on transcript NM_022081.6 (MANE Select); 176 bases into the intron after coding-DNA position 706, G replaced by A.
Molecular consequence: intron variant. On other transcripts: splice donor variant (2).
Genome position (GRCh38, 1-based): chr22:26,466,050, C>T on the plus strand (G>A on the coding strand, the complement: HPS4 is on the minus strand). VCF-style: chr22-26466050-C-T. GRCh37 (hg19) VCF-style: chr22-26862016-C-T.
Other names: c.706+176G>A (NM_001349905.1, NM_001349896.1, NM_001349899.2 and 5 more transcripts); c.760+1G>A (NM_001349901.1, NM_001349900.2); c.691+176G>A (NM_152841.2).
Identifiers: ClinVar variation 2506049 (VCV002506049.1), dbSNP rs972066075, ClinGen allele CA322849105.